The following is an entry in ClinVar:

NM_000059.4(BRCA2):c.7007+5G>A

Gene: BRCA2 (BRCA2 DNA repair associated; plus strand). Cytogenetic location: 13q13.1.
Variant type: single nucleotide variant.
Coding change: c.7007+5G>A on transcript NM_000059.4 (MANE Select); 5 bases into the intron after coding-DNA position 7007, G replaced by A.
Molecular consequence: intron variant.
Genome position (GRCh38, 1-based): chr13:32,346,901, G>A. VCF-style: chr13-32346901-G-A. GRCh37 (hg19) VCF-style: chr13-32921038-G-A.
Other names: IVS13+5G>A.
Identifiers: ClinVar variation 52239 (VCV000052239.32), dbSNP rs81002816, ClinGen allele CA024707.

ClinVar aggregate classification (germline): Conflicting classifications of pathogenicity. Review status: criteria provided, conflicting classifications (1 of 4 stars). 15 submissions from 15 submitters: Pathogenic (1); Likely pathogenic (5); Uncertain significance (3). 6 of the submissions do not count toward it. Last evaluated 2025-06-15.

Conditions:
Breast and/or ovarian cancer. Identifiers: MedGen CN221562.
Hereditary breast ovarian cancer syndrome. Also called: Hereditary breast and ovarian cancer syndrome; Hereditary breast and ovarian cancer; Hereditary breast and ovarian cancer syndrome (HBOC); Breast and ovarian cancer; Hereditary breast and/or ovarian cancer syndrome; BRCA1- and BRCA2-Associated Hereditary Breast and Ovarian Cancer. Identifiers: Orphanet 145, MedGen C0677776, MeSH D061325, MONDO:0003582. Disease mechanism: loss of function.
Familial cancer of breast. Also called: BREAST CANCER, FAMILIAL; Hereditary breast cancer; hereditary breast carcinoma. Identifiers: Orphanet 227535, MedGen C0346153, MONDO:0016419, OMIM 114480. Disease mechanism: loss of function.
Breast-ovarian cancer, familial, susceptibility to, 2 (BROVCA2). Also called: BRCA2 Hereditary Breast and Ovarian Cancer. Identifiers: Orphanet 145, MedGen C2675520, MONDO:0012933, OMIM 612555. Disease mechanism: loss of function.
Hereditary cancer-predisposing syndrome. Also called: Neoplastic Syndromes, Hereditary; Tumor predisposition; Hereditary neoplastic syndrome; Hereditary Cancer Syndrome. Identifiers: Orphanet 140162, MedGen C0027672, MeSH D009386, MONDO:0015356.

Allele frequency attached by ClinVar (database versions not stated): gnomAD exomes below 0.00001.
gnomAD v4.1: 1 of 1,601,880 alleles (0.000062%); highest among the groups gnomAD compares: Non-Finnish European, 0.000085%; no homozygotes.

Submissions 1 to 6 of 15:

Labcorp Genetics (formerly Invitae), Labcorp
Classification: Pathogenic for Hereditary breast ovarian cancer syndrome. Last evaluated: 2025-06-15. Review status: criteria provided, single submitter. Criteria: Invitae Variant Classification Sherloc (09022015). Collection method: clinical testing. Allele origin: germline.
Comment: This sequence change falls in intron 13 of the BRCA2 gene. It does not directly change the encoded amino acid sequence of the BRCA2 protein. RNA analysis indicates that this variant induces altered splicing and may result in an absent or altered protein product. This variant is not present in population databases (gnomAD no frequency). This variant has been observed in individual(s) with breast and/or ovarian cancer (PMID: 30254663). ClinVar contains an entry for this variant (Variation ID: 52239). Variants that disrupt the consensus splice site are a relatively common cause of aberrant splicing (PMID: 17576681, 9536098). Studies have shown that this variant results in exon 13 skipping and exon 12-13 skipping, and produces a non-functional protein and/or introduces a premature termination codon (PMID: 31843900; internal data). For these reasons, this variant has been classified as Pathogenic.

Molecular Pathology, Peter Maccallum Cancer Centre
Classification: Likely pathogenic for Breast-ovarian cancer, familial, susceptibility to, 2. Last evaluated: 2025-05-20. Review status: criteria provided, single submitter. Criteria: ACMG Guidelines, 2015. Collection method: clinical testing. Allele origin: germline. Inheritance: Autosomal dominant inheritance.

Ambry Genetics
Classification: Likely pathogenic for Hereditary cancer-predisposing syndrome. Last evaluated: 2025-04-23. Review status: criteria provided, single submitter. Criteria: Ambry Variant Classification Scheme 2023. Collection method: clinical testing. Allele origin: germline.
Comment: The c.7007+5G>A intronic variant results from a G to A substitution 5 nucleotides after coding exon 12 in the BRCA2 gene. This nucleotide position is highly conserved in available vertebrate species. In silico splice site analysis for this alteration is inconclusive. This alteration has been identified in multiple individuals with a personal and/or family history of BRCA2-associated disease including one individual whose tumor had loss of heterozygosity of the wildtype allele (Spearman AD et al. J Clin Oncol, 2008 Nov;26:5393-400; Zuntini R et al. Front Genet, 2018 Sep;9:378; Tsai GJ et al. Genet Med, 2019 Jun;21:1435-1442; Santonocito C et al. Cancers (Basel), 2020 May;12). RNA studies have demonstrated this alteration results in abnormal splicing in the set of samples tested (Ambry internal data; Casadei S et al. Proc Natl Acad Sci U S A, 2019 Dec). Several close-match alterations that are expected to have a similar splicing profile, BRCA2 c.7007G>A and BRCA2 c.7007G>C, have been observed in multiple patients with Fanconi Anemia (Meng L et al. JAMA Pediatr. 2017 12;171(12):e173438; Barber LM et al. Br. J. Haematol. 2005 Sep;130:796-7). Based on the majority of available evidence to date, this variant is likely to be pathogenic. However, because several close-match variants are identified in one or more patients with Fanconi Anemia it may be hypomorphic and thus, carriers of this variant and their families may present with reduced risks, and not with the typical clinical characteristics of a high-risk pathogenic BRCA2 alteration. As risk estimates are unknown at this time, clinical correlation is advised.

German Consortium for Hereditary Breast and Ovarian Cancer, University Hospital Cologne
Classification: Uncertain significance for Hereditary breast ovarian cancer syndrome. Last evaluated: 2024-12-10. Review status: criteria provided, single submitter. Criteria: ClinGen BRCA2 V1.1.0. Collection method: curation. Allele origin: germline.
Comment: According to the ClinGen ENIGMA BRCA2 v1.1.0 criteria we chose these criteria: PS3 (strong pathogenic): Sahu et al., 2023 (PMID: 37713444) Saturation genome editing and drug sensitivity assay: non functional, PM2 (supporting pathogenic): absent from gnomAD v2/3, PP4 (medium pathogenic): s. UCSC ENIGMA BRCA1/BRCA2 specs 1.1.0 Hub, BP7 (strong benign): Casadei (PMID: 31843900): 66% WT transcript detected; Skip exons 12-13: 23% & Skip exon 13 10% As per Table 9 of CSpec: > 30% proportion WT or (assumed) functional transcript --> BP7_RNA_STR applicable

Women's Health and Genetics/Laboratory Corporation of America, LabCorp
Classification: Likely pathogenic for Hereditary breast ovarian cancer syndrome. Last evaluated: 2024-06-24. Review status: criteria provided, single submitter. Criteria: LabCorp Variant Classification Summary - May 2015. Collection method: clinical testing. Allele origin: germline.
Comment: Variant summary: BRCA2 c.7007+5G>A alters a conserved nucleotide located close to a canonical splice site and therefore could affect mRNA splicing, leading to a significantly altered protein sequence. Computational tools predict a significant impact on normal splicing: One predicts the variant abolishes a 5' splicing donor site and two predict the variant weakens this site. A functional study using lymphoblast cell lines created from patients showed the variant results in 66% full lenth transcript, with 33% transcript that skips exon 12-13 or skips exon 13 (Casadei_2019). Neither abbertant transcript was found in controls. The variant was absent in 247222 control chromosomes (gnomAD). c.7007+5G>A has been reported in the literature in individuals affected with Hereditary Breast And Ovarian Cancer Syndrome and pancreatic cancer without strong evidence of cosegregation with disease (examples: Puccini_2022, Santonocito_2020, Tsai_2019, Zuntini_2018). In one report, three men carried the variant, all without breast or prostate cancer (Tsai_2019). These reports do not provide unequivocal conclusions about association of the variant with Hereditary Breast And Ovarian Cancer Syndrome. A high-throughput functional assay categorized the variant as non-functional (Sahu_2023). The following publications have been ascertained in the context of this evaluation (PMID: 30254663, 30374176, 32438681, 31843900, 36139606, 37713444). ClinVar contains an entry for this variant (Variation ID: 52239). Based on the evidence outlined above, the variant was classified as likely pathogenic.

GeneDx
Classification: Likely pathogenic. Last evaluated: 2023-11-30. Review status: criteria provided, single submitter. Criteria: GeneDx Variant Classification Process June 2021. Collection method: clinical testing. Allele origin: germline. Affected: yes.
Comment: Published functional studies demonstrate a damaging effect: abnormal splicing (PMID: 31843900); Not observed at significant frequency in large population cohorts (gnomAD); Also known as 7235+5G>A; This variant is associated with the following publications: (PMID: 21523855, 31131967, 30254663, 32438681, 35150867, 36139606, 31843900)